The following is an entry in ClinVar:

NM_005027.4(PIK3R2):c.2156C>T (p.Pro719Leu)

Gene: PIK3R2 (phosphoinositide-3-kinase regulatory subunit 2; plus strand). Cytogenetic location: 19p13.11.
Variant type: single nucleotide variant.
Coding change: c.2156C>T on transcript NM_005027.4 (MANE Select); coding-DNA position 2156, C replaced by T.
Protein change: p.Pro719Leu; replaces proline 719 with leucine.
Molecular consequence: missense variant. On other transcripts: non-coding transcript variant (2).
Genome position (GRCh38, 1-based): chr19:18,169,263, C>T. VCF-style: chr19-18169263-C-T. GRCh37 (hg19) VCF-style: chr19-18280073-C-T.
Other names: c.2156C>T (NM_005027.2); short protein forms P719L.
Identifiers: ClinVar variation 3771879 (VCV003771879.13).

ClinVar aggregate classification (germline): Uncertain significance. Review status: criteria provided, multiple submitters, no conflicts (2 of 4 stars). 2 submissions from 2 submitters: Uncertain significance (2). Last evaluated 2025-06-08.

Conditions:
Inborn genetic diseases. Identifiers: MedGen C0950123, MeSH D030342.

gnomAD v4.1: 11 of 1,534,966 alleles (0.00072%); highest among the groups gnomAD compares: African/African-American, 0.0014%; no homozygotes.

Submissions (2):

Ambry Genetics
Classification: Uncertain significance for Inborn genetic diseases. Last evaluated: 2025-06-08. Review status: criteria provided, single submitter. Criteria: Ambry Variant Classification Scheme 2023. Collection method: clinical testing. Allele origin: germline.

CeGaT Center for Human Genetics Tuebingen
Classification: Uncertain significance. Last evaluated: 2024-12-01. Review status: criteria provided, single submitter. Criteria: CeGaT Center For Human Genetics Tuebingen Variant Classification Criteria Version 2. Collection method: clinical testing. Allele origin: germline. Affected: yes. Observed: 1 variant allele.
Comment: PIK3R2: PM2